The following is an entry in ClinVar:

ClinVar aggregate classification (germline): Uncertain significance. Review status: criteria provided, single submitter (1 of 4 stars). 2 submissions from 2 submitters: Uncertain significance (1). 1 of the submissions does not count toward it. Last evaluated 2021-09-01.

Conditions:
Nemaline myopathy 2 (NEM2). Also called: Nemaline myopathy 2, autosomal recessive. Identifiers: MedGen C1850569, MONDO:0009725, OMIM 256030.

Allele frequency attached by ClinVar (database versions not stated): gnomAD exomes 0.00001 and below 0.00001; TOPMed 0.00001; gnomAD 0.00001.
gnomAD v4.1: 9 of 1,612,502 alleles (0.00056%); highest among the groups gnomAD compares: Non-Finnish European, 0.00076%; no homozygotes.

Submissions (2):

Labcorp Genetics (formerly Invitae), Labcorp
Classification: Uncertain significance for Nemaline myopathy 2. Last evaluated: 2021-09-01. Review status: criteria provided, single submitter. Criteria: Invitae Variant Classification Sherloc (09022015). Collection method: clinical testing. Allele origin: germline.
Comment: This sequence change replaces isoleucine with threonine at codon 1696 of the NEB protein (p.Ile1696Thr). The isoleucine residue is moderately conserved and there is a moderate physicochemical difference between isoleucine and threonine. This variant is not present in population databases (ExAC no frequency). This variant has not been reported in the literature in individuals affected with NEB-related conditions. Algorithms developed to predict the effect of sequence changes on RNA splicing suggest that this variant may create or strengthen a splice site. In summary, the available evidence is currently insufficient to determine the role of this variant in disease. Therefore, it has been classified as a Variant of Uncertain Significance.

Natera, Inc.
Classification: Uncertain significance for Nemaline myopathy type 2. Last evaluated: 2020-01-17. Review status: no assertion criteria provided. Collection method: clinical testing. Allele origin: germline. Not counted in ClinVar's aggregate classification.

NM_001164508.2(NEB):c.5087T>C (p.Ile1696Thr)

Gene: NEB (nebulin; minus strand). Cytogenetic location: 2q23.3.
Variant type: single nucleotide variant.
Coding change: c.5087T>C on transcript NM_001164508.2 (MANE Select); coding-DNA position 5087, T replaced by C.
Protein change: p.Ile1696Thr; replaces isoleucine 1696 with threonine.
Molecular consequence: missense variant.
Genome position (GRCh38, 1-based): chr2:151,665,484, A>G on the plus strand (T>C on the coding strand, the complement: NEB is on the minus strand). VCF-style: chr2-151665484-A-G. GRCh37 (hg19) VCF-style: chr2-152521998-A-G.
Other names: c.5087T>C, p.Ile1696Thr (NM_001164507.2, NM_001271208.2, NM_004543.5); short protein forms I1696T.
Identifiers: ClinVar variation 465611 (VCV000465611.10), dbSNP rs937014596, ClinGen allele CA57645295.